The following is an entry in ClinVar:

ClinVar aggregate classification (germline): Conflicting classifications of pathogenicity. Review status: criteria provided, conflicting classifications (1 of 4 stars). 2 submissions from 2 submitters: Likely pathogenic (1); Uncertain significance (1). Last evaluated 2024-02-28.

Conditions:
Fraser syndrome 1 (FRASRS1). Also called: CRYPTOPHTHALMOS WITH OTHER MALFORMATIONS. Identifiers: Orphanet 2052, MedGen C4551480, MONDO:0054737, OMIM 219000.

Allele frequency attached by ClinVar (database versions not stated): TOPMed below 0.00001; gnomAD 0.00001; ExAC 0.00002.
gnomAD v4.1: 3 of 1,600,748 alleles (0.00019%); highest among the groups gnomAD compares: Admixed American, 0.0017%; no homozygotes.

Submissions (2):

Fulgent Genetics
Classification: Likely pathogenic for Fraser syndrome 1. Last evaluated: 2024-02-28. Review status: criteria provided, single submitter. Criteria: ACMG Guidelines, 2015. Collection method: clinical testing. Allele origin: germline.

Labcorp Genetics (formerly Invitae), Labcorp
Classification: Uncertain significance. Last evaluated: 2023-06-20. Review status: criteria provided, single submitter. Criteria: Invitae Variant Classification Sherloc (09022015). Collection method: clinical testing. Allele origin: germline.
Comment: This sequence change creates a premature translational stop signal (p.Arg3852*) in the FRAS1 gene. While this is not anticipated to result in nonsense mediated decay, it is expected to disrupt the last 161 amino acid(s) of the FRAS1 protein. This variant is present in population databases (rs747708863, gnomAD 0.003%). This variant has not been reported in the literature in individuals affected with FRAS1-related conditions. In summary, the available evidence is currently insufficient to determine the role of this variant in disease. Therefore, it has been classified as a Variant of Uncertain Significance.

NM_025074.7(FRAS1):c.11554C>T (p.Arg3852Ter)

Gene: FRAS1 (Fraser extracellular matrix complex subunit 1; plus strand). Cytogenetic location: 4q21.21.
Variant type: single nucleotide variant.
Coding change: c.11554C>T on transcript NM_025074.7 (MANE Select); coding-DNA position 11554, C replaced by T.
Protein change: p.Arg3852Ter; replaces arginine 3852 with a stop codon.
Molecular consequence: nonsense.
Genome position (GRCh38, 1-based): chr4:78,540,639, C>T. VCF-style: chr4-78540639-C-T. GRCh37 (hg19) VCF-style: chr4-79461793-C-T.
Other names: short protein forms R3852*.
Identifiers: ClinVar variation 2883967 (VCV002883967.4), dbSNP rs747708863, ClinGen allele CA2979255.